The following is an entry in ClinVar:

ClinVar aggregate classification (germline): Benign (1 of 4 stars; one submission).

Submission:

CeGaT Center for Human Genetics Tuebingen
Classification: Benign. Last evaluated: 2026-08-01. Review status: criteria provided, single submitter. Criteria: CeGaT Center For Human Genetics Tuebingen Variant Classification Criteria Version 2. Collection method: clinical testing. Allele origin: germline. Affected: yes. Observed: 1 variant allele.
Comment: NAE1: BP4, BS1, BS2

NM_003905.4(NAE1):c.218+8C>G

Gene: NAE1 (NEDD8 activating enzyme E1 subunit 1; minus strand). Cytogenetic location: 16q22.1.
Variant type: single nucleotide variant.
Coding change: c.218+8C>G on transcript NM_003905.4 (MANE Select); 8 bases into the intron after coding-DNA position 218, C replaced by G.
Molecular consequence: intron variant.
Genome position (GRCh38, 1-based): chr16:66,826,515, G>C on the plus strand (C>G on the coding strand, the complement: NAE1 is on the minus strand). VCF-style: chr16-66826515-G-C. GRCh37 (hg19) VCF-style: chr16-66860418-G-C.
Other names: c.-50+8C>G (NM_001018160.2); c.227+8C>G (NM_001286500.2); c.200+8C>G (NM_001018159.2).
Identifiers: ClinVar variation 5038558 (VCV005038558.1).